The following is an entry in ClinVar:

ClinVar aggregate classification (germline): Uncertain significance (1 of 4 stars; one submission).

gnomAD v4.1: 2 of 1,210,604 alleles (0.00017%); highest among the groups gnomAD compares: South Asian, 0.0018%; no homozygotes.

Submission:

Labcorp Genetics (formerly Invitae), Labcorp
Classification: Uncertain significance. Last evaluated: 2025-04-17. Review status: criteria provided, single submitter. Criteria: Invitae Variant Classification Sherloc (09022015). Collection method: clinical testing. Allele origin: germline.
Comment: This sequence change replaces lysine, which is basic and polar, with arginine, which is basic and polar, at codon 485 of the SH3KBP1 protein (p.Lys485Arg). This variant is not present in population databases (gnomAD no frequency). This variant has not been reported in the literature in individuals affected with SH3KBP1-related conditions. Invitae Evidence Modeling of protein sequence and biophysical properties (such as structural, functional, and spatial information, amino acid conservation, physicochemical variation, residue mobility, and thermodynamic stability) indicates that this missense variant is not expected to disrupt SH3KBP1 protein function with a negative predictive value of 80%. In summary, the available evidence is currently insufficient to determine the role of this variant in disease. Therefore, it has been classified as a Variant of Uncertain Significance.

NM_031892.3(SH3KBP1):c.1454A>G (p.Lys485Arg)

Gene: SH3KBP1 (SH3 domain containing kinase binding protein 1; minus strand). Cytogenetic location: Xp22.12.
Variant type: single nucleotide variant.
Coding change: c.1454A>G on transcript NM_031892.3 (MANE Select); coding-DNA position 1454, A replaced by G.
Protein change: p.Lys485Arg; replaces lysine 485 with arginine.
Molecular consequence: missense variant.
Genome position (GRCh38, 1-based): chrX:19,550,014, T>C on the plus strand (A>G on the coding strand, the complement: SH3KBP1 is on the minus strand). VCF-style: chrX-19550014-T-C. GRCh37 (hg19) VCF-style: chrX-19568132-T-C.
Other names: c.1343A>G, p.Lys448Arg (NM_001024666.3); c.740A>G, p.Lys247Arg (NM_001184960.2, NM_001353897.2); c.1454A>G, p.Lys485Arg (NM_001353890.2); c.1529A>G, p.Lys510Arg (NM_001353891.2, NM_001353892.2); c.1352A>G, p.Lys451Arg (NM_001353893.2, NM_001353894.2); c.1409A>G, p.Lys470Arg (NM_001353895.2); c.1586A>G, p.Lys529Arg (NM_001410756.1, NM_001410757.1); c.1277A>G, p.Lys426Arg (NM_001410758.1); short protein forms K485R, K426R, K529R, K247R, K448R, K451R, K510R, K470R.
Identifiers: ClinVar variation 4777564 (VCV004777564.1).